The following is an entry in ClinVar:

NM_002609.4(PDGFRB):c.433A>G (p.Ile145Val)

Gene: PDGFRB (platelet derived growth factor receptor beta; minus strand). Cytogenetic location: 5q32.
Variant type: single nucleotide variant.
Coding change: c.433A>G on transcript NM_002609.4 (MANE Select); coding-DNA position 433, A replaced by G.
Protein change: p.Ile145Val; replaces isoleucine 145 with valine.
Molecular consequence: missense variant. On other transcripts: 5 prime UTR variant (1).
Genome position (GRCh38, 1-based): chr5:150,134,948, T>C on the plus strand (A>G on the coding strand, the complement: PDGFRB is on the minus strand). VCF-style: chr5-150134948-T-C. GRCh37 (hg19) VCF-style: chr5-149514511-T-C.
Other names: c.241A>G, p.Ile81Val (NM_001355016.2); c.-85A>G (NM_001355017.2); short protein forms I145V, I81V.
Identifiers: ClinVar variation 1700495 (VCV001700495.2), dbSNP rs1760580023, ClinGen allele CA361726441.

ClinVar aggregate classification (germline): Uncertain significance (1 of 4 stars; one submission).

Allele frequency attached by ClinVar (database versions not stated): gnomAD exomes below 0.00001; gnomAD 0.00001.
gnomAD v4.1: 7 of 1,613,812 alleles (0.00043%); highest among the groups gnomAD compares: Non-Finnish European, 0.00051%; no homozygotes.

Submission:

GeneDx
Classification: Uncertain significance. Last evaluated: 2022-02-06. Review status: criteria provided, single submitter. Criteria: GeneDx Variant Classification Process June 2021. Collection method: clinical testing. Allele origin: germline. Affected: yes.
Comment: Not observed at significant frequency in large population cohorts (gnomAD); In silico analysis supports that this missense variant does not alter protein structure/function; Has not been previously published as pathogenic or benign to our knowledge